The following is an entry in ClinVar:

NM_000245.4(MET):c.1354A>G (p.Ile452Val)

Gene: MET (MET proto-oncogene, receptor tyrosine kinase; plus strand). Cytogenetic location: 7q31.2.
Variant type: single nucleotide variant.
Coding change: c.1354A>G on transcript NM_000245.4 (MANE Select); coding-DNA position 1354, A replaced by G.
Protein change: p.Ile452Val; replaces isoleucine 452 with valine.
Molecular consequence: missense variant.
Genome position (GRCh38, 1-based): chr7:116,731,821, A>G. VCF-style: chr7-116731821-A-G. GRCh37 (hg19) VCF-style: chr7-116371875-A-G.
Other names: c.1354A>G, p.Ile452Val (NM_001127500.3, NM_001324401.3); c.64A>G, p.Ile22Val (NM_001324402.2); short protein forms I22V, I452V.
Identifiers: ClinVar variation 842808 (VCV000842808.22), dbSNP rs1793018926, ClinGen allele CA368973013.
Genomic context (GRCh38, chr7:116,731,821, plus strand): 5'-GGTCAATTCAGCGAAGTCCTCTTAACATCTATATCCACCTTCATTAAAGGAGACCTCACC[A>G]TAGCTAATCTTGGGACATCAGAGGGTCGCTTCATGCAGGTAAGTGCTTTCTGAGAGTAGC-3'
Protein context (NP_000236.2, residues 442-462): ISTFIKGDLT[Ile452Val]ANLGTSEGRF

ClinVar aggregate classification (germline): Conflicting classifications of pathogenicity. Review status: criteria provided, conflicting classifications (1 of 4 stars). 4 submissions from 4 submitters: Uncertain significance (3); Likely benign (1). Last evaluated 2025-07-09.

Conditions:
Renal cell carcinoma. Identifiers: Orphanet 217071, MedGen C0007134, MeSH D002292, MONDO:0005086, HP:0005584.
Hereditary cancer-predisposing syndrome. Also called: Hereditary Cancer Syndrome; Hereditary neoplastic syndrome; Tumor predisposition; Neoplastic Syndromes, Hereditary. Identifiers: Orphanet 140162, MedGen C0027672, MeSH D009386, MONDO:0015356.

Allele frequency attached by ClinVar (database versions not stated): gnomAD exomes below 0.00001; TOPMed below 0.00001.
gnomAD v4.1: 2 of 1,614,106 alleles (0.00012%); highest among the groups gnomAD compares: South Asian, 0.0011%; no homozygotes.

Submissions (4):

Labcorp Genetics (formerly Invitae), Labcorp
Classification: Uncertain significance for Renal cell carcinoma. Last evaluated: 2025-07-09. Review status: criteria provided, single submitter. Criteria: Invitae Variant Classification Sherloc (09022015). Collection method: clinical testing. Allele origin: germline.
Comment: This sequence change replaces isoleucine, which is neutral and non-polar, with valine, which is neutral and non-polar, at codon 452 of the MET protein (p.Ile452Val). This variant is not present in population databases (gnomAD no frequency). This variant has not been reported in the literature in individuals affected with MET-related conditions. ClinVar contains an entry for this variant (Variation ID: 842808). Invitae Evidence Modeling of protein sequence and biophysical properties (such as structural, functional, and spatial information, amino acid conservation, physicochemical variation, residue mobility, and thermodynamic stability) indicates that this missense variant is not expected to disrupt MET protein function with a negative predictive value of 80%. In summary, the available evidence is currently insufficient to determine the role of this variant in disease. Therefore, it has been classified as a Variant of Uncertain Significance.

Center for Genomic Medicine, Rigshospitalet, Copenhagen University Hospital
Classification: Uncertain significance. Last evaluated: 2025-03-04. Review status: criteria provided, single submitter. Criteria: ACMG Guidelines, 2015. Collection method: clinical testing. Allele origin: germline.

Ambry Genetics
Classification: Likely benign for Hereditary cancer-predisposing syndrome. Last evaluated: 2024-12-12. Review status: criteria provided, single submitter. Criteria: Ambry Variant Classification Scheme 2023. Collection method: clinical testing. Allele origin: germline.

GeneDx
Classification: Uncertain significance. Last evaluated: 2023-03-10. Review status: criteria provided, single submitter. Criteria: GeneDx Variant Classification Process June 2021. Collection method: clinical testing. Allele origin: germline. Affected: yes.
Comment: Not observed at significant frequency in large population cohorts (gnomAD); In silico analysis supports that this missense variant does not alter protein structure/function; Has not been previously published as pathogenic or benign to our knowledge